The following is an entry in ClinVar:

ClinVar aggregate classification (germline): Likely benign. Review status: criteria provided, multiple submitters, no conflicts (2 of 4 stars). 2 submissions from 2 submitters: Likely benign (2). Last evaluated 2017-04-27.

Conditions:
Neuropathy, hereditary sensory and autonomic, type 1C. Also called: HSAN IC; HSN IC. Identifiers: Orphanet 36386, MedGen C3150896, MONDO:0013337, OMIM 613640.

Allele frequency attached by ClinVar (database versions not stated): 1000 Genomes Project 0.00280; 1000 Genomes Project 30x 0.00328; TOPMed 0.00334.
gnomAD v4.1: 908 of 1,534,158 alleles (0.059%); highest among the groups gnomAD compares: African/African-American, 1.1%; 2 homozygotes.

Submissions (2):

Illumina Laboratory Services, Illumina
Classification: Likely benign for Neuropathy, hereditary sensory and autonomic, type 1C. Last evaluated: 2017-04-27. Review status: criteria provided, single submitter. Criteria: ICSL Variant Classification Criteria 13 December 2019. Collection method: clinical testing. Allele origin: germline.
Comment: This variant was observed as part of a predisposition screen in an ostensibly healthy population. A literature search was performed for the gene, cDNA change, and amino acid change (where applicable). No publications were found based on this search. Allele frequency data from public databases allowed determination this variant is unlikely to cause disease. Therefore, this variant is classified as likely benign.

GeneDx
Classification: Likely benign. Last evaluated: 2016-08-04. Review status: criteria provided, single submitter. Criteria: GeneDx Variant Classification (06012015). Collection method: clinical testing. Allele origin: germline. Affected: yes.
Comment: This variant is considered likely benign or benign based on one or more of the following criteria: it is a conservative change, it occurs at a poorly conserved position in the protein, it is predicted to be benign by multiple in silico algorithms, and/or has population frequency not consistent with disease.

NM_004863.4(SPTLC2):c.-30G>A

Gene: SPTLC2 (serine palmitoyltransferase long chain base subunit 2; minus strand). Cytogenetic location: 14q24.3.
Variant type: single nucleotide variant.
Coding change: c.-30G>A on transcript NM_004863.4 (MANE Select); 30 bases upstream of the start codon, G replaced by A.
Molecular consequence: 5 prime UTR variant.
Genome position (GRCh38, 1-based): chr14:77,616,609, C>T on the plus strand (G>A on the coding strand, the complement: SPTLC2 is on the minus strand). VCF-style: chr14-77616609-C-T. GRCh37 (hg19) VCF-style: chr14-78082952-C-T.
Identifiers: ClinVar variation 314682 (VCV000314682.5), dbSNP rs142320856, ClinGen allele CA7289534.